The following is an entry in ClinVar:

ClinVar aggregate classification (germline): Uncertain significance (1 of 4 stars; one submission).

Allele frequency attached by ClinVar (database versions not stated): gnomAD 0.00001.
gnomAD v4.1: 16 of 1,613,900 alleles (0.00099%); highest among the groups gnomAD compares: Admixed American, 0.0017%; no homozygotes.

Submission:

Labcorp Genetics (formerly Invitae), Labcorp
Classification: Uncertain significance. Last evaluated: 2022-07-12. Review status: criteria provided, single submitter. Criteria: Invitae Variant Classification Sherloc (09022015). Collection method: clinical testing. Allele origin: germline.
Comment: This sequence change falls in intron 4 of the P3H2 gene. It does not directly change the encoded amino acid sequence of the P3H2 protein. It affects a nucleotide within the consensus splice site. This variant is present in population databases (rs751133671, gnomAD 0.003%). This variant has not been reported in the literature in individuals affected with P3H2-related conditions. ClinVar contains an entry for this variant (Variation ID: 1367123). Variants that disrupt the consensus splice site are a relatively common cause of aberrant splicing (PMID: 17576681, 9536098). Algorithms developed to predict the effect of sequence changes on RNA splicing suggest that this variant is not likely to affect RNA splicing. In summary, the available evidence is currently insufficient to determine the role of this variant in disease. Therefore, it has been classified as a Variant of Uncertain Significance.

Literature cited by the submitters: PubMed 17576681; PubMed 9536098.

NM_018192.4(P3H2):c.955+6G>T

Gene: P3H2 (prolyl 3-hydroxylase 2; minus strand). Cytogenetic location: 3q28.
Variant type: single nucleotide variant.
Coding change: c.955+6G>T on transcript NM_018192.4 (MANE Select); 6 bases into the intron after coding-DNA position 955, G replaced by T.
Molecular consequence: intron variant.
Genome position (GRCh38, 1-based): chr3:189,988,901, C>A on the plus strand (G>T on the coding strand, the complement: P3H2 is on the minus strand). VCF-style: chr3-189988901-C-A. GRCh37 (hg19) VCF-style: chr3-189706690-C-A.
Other names: c.412+6G>T (NM_001134418.2).
Identifiers: ClinVar variation 1367123 (VCV001367123.3), dbSNP rs751133671, ClinGen allele CA2753170.